The following is an entry in ClinVar:

ClinVar aggregate classification (germline): Benign. Review status: criteria provided, multiple submitters, no conflicts (2 of 4 stars). 3 submissions from 3 submitters: Benign (3). Last evaluated 2021-06-19.

Conditions:
Thrombocytopenia. Identifiers: MedGen C0040034, MeSH D013921, MONDO:0002049, HP:0001873.

Allele frequency attached by ClinVar (database versions not stated): 1000 Genomes Project 30x 0.39631; 1000 Genomes Project 0.39716; TOPMed 0.47830.
gnomAD v4.1: 922,570 of 1,531,026 alleles (60%); highest among the groups gnomAD compares: Non-Finnish European, 65%; 287,460 homozygotes.

Submissions (3):

GeneDx
Classification: Benign. Last evaluated: 2021-06-19. Review status: criteria provided, single submitter. Criteria: GeneDx Variant Classification Process June 2021. Collection method: clinical testing. Allele origin: germline. Affected: yes.

Illumina Laboratory Services, Illumina
Classification: Benign for Thrombocytopenia. Last evaluated: 2018-01-12. Review status: criteria provided, single submitter. Criteria: ICSL Variant Classification Criteria 13 December 2019. Collection method: clinical testing. Allele origin: germline.
Comment: This variant was observed in the ICSL laboratory as part of a predisposition screen in an ostensibly healthy population. It had not been previously curated by ICSL or reported in the Human Gene Mutation Database (HGMD: prior to June 1st, 2018), and was therefore a candidate for classification through an automated scoring system. Utilizing variant allele frequency, disease prevalence and penetrance estimates, and inheritance mode, an automated score was calculated to assess if this variant is too frequent to cause the disease. Based on the score and internal cut-off values, a variant classified as benign is not then subjected to further curation. The score for this variant resulted in a classification of benign for this disease.

Breakthrough Genomics
Classification: Benign. Review status: criteria provided, single submitter. Criteria: ACMG Guidelines, 2015. Collection method: not provided. Allele origin: germline. Inheritance: Unknown mechanism. Affected: yes.

NM_001172303.3(MASTL):c.-53G>A

Gene: MASTL (microtubule associated serine/threonine kinase like; plus strand). Cytogenetic location: 10p12.1.
Variant type: single nucleotide variant.
Coding change: c.-53G>A on transcript NM_001172303.3 (MANE Select); 53 bases upstream of the start codon, G replaced by A.
Molecular consequence: 5 prime UTR variant. On other transcripts: non-coding transcript variant (1).
Genome position (GRCh38, 1-based): chr10:27,155,374, G>A. VCF-style: chr10-27155374-G-A. GRCh37 (hg19) VCF-style: chr10-27444303-G-A.
Other names: c.-53G>A (NM_001172304.3, NM_001320756.2, NM_001320757.2 and 1 more transcripts); c.-656G>A (NM_001372029.1, NM_001372030.1).
Identifiers: ClinVar variation 299785 (VCV000299785.7), dbSNP rs3824593, ClinGen allele CA10631589.